The following is an entry in ClinVar:

NM_000256.3(MYBPC3):c.64del (p.Ala22fs)

Gene: MYBPC3 (myosin binding protein C3; minus strand). Cytogenetic location: 11p11.2.
Variant type: Deletion.
Coding change: c.64del on transcript NM_000256.3 (MANE Select); coding-DNA position 64, one base deleted (G; older notation c.64delG).
Protein change: p.Ala22fs; shifts the reading frame from alanine 22.
Molecular consequence: frameshift variant.
Genome position (GRCh38, 1-based): chr11:47,351,467, C deleted on the plus strand (G on the coding strand, the reverse complement: MYBPC3 is on the minus strand); the first of 2 consecutive C bases (chr11:47,351,467-47,351,468); deleting either gives the same sequence. VCF-style (leftmost placement, unchanged base first): chr11-47351466-GC-G. GRCh37 (hg19) VCF-style: chr11-47373017-GC-G.
Other names: short protein forms A22fs.
Identifiers: ClinVar variation 3722941 (VCV003722941.2).

ClinVar aggregate classification (germline): Pathogenic (1 of 4 stars; one submission).

Conditions:
Hypertrophic cardiomyopathy. Also called: HYPERTROPHIC MYOCARDIOPATHY. Identifiers: Orphanet 217569, MedGen C0007194, MeSH D002312, MONDO:0005045, HP:0001639.

Submission:

Labcorp Genetics (formerly Invitae), Labcorp
Classification: Pathogenic for Hypertrophic cardiomyopathy. Last evaluated: 2024-10-15. Review status: criteria provided, single submitter. Criteria: Invitae Variant Classification Sherloc (09022015). Collection method: clinical testing. Allele origin: germline.
Comment: This sequence change creates a premature translational stop signal (p.Ala22Profs*17) in the MYBPC3 gene. It is expected to result in an absent or disrupted protein product. Loss-of-function variants in MYBPC3 are known to be pathogenic (PMID: 19574547). This variant is not present in population databases (gnomAD no frequency). This variant has not been reported in the literature in individuals affected with MYBPC3-related conditions. For these reasons, this variant has been classified as Pathogenic.

Literature cited by the submitters: PubMed 19574547.